The following is an entry in ClinVar:

NM_001273.5(CHD4):c.3704-4A>C

Gene: CHD4 (chromodomain helicase DNA binding protein 4; minus strand). Cytogenetic location: 12p13.31.
Variant type: single nucleotide variant.
Coding change: c.3704-4A>C on transcript NM_001273.5 (MANE Select); 4 bases into the intron before coding-DNA position 3704, A replaced by C.
Molecular consequence: intron variant.
Genome position (GRCh38, 1-based): chr12:6,587,563, T>G on the plus strand (A>C on the coding strand, the complement: CHD4 is on the minus strand). VCF-style: chr12-6587563-T-G. GRCh37 (hg19) VCF-style: chr12-6696729-T-G.
Other names: c.3665-4A>C (NM_001363606.2); c.3683-4A>C (NM_001297553.2).
Identifiers: ClinVar variation 3033659 (VCV003033659.3), dbSNP rs1565608787, ClinGen allele CA2740092323.

ClinVar aggregate classification (germline): Likely benign. Review status: criteria provided, single submitter (1 of 4 stars). 2 submissions from 2 submitters: Likely benign (1). 1 of the submissions does not count toward it. Last evaluated 2026-01-03.

Conditions:
CHD4-related disorder. Also called: CHD4-related condition.

Submissions (2):

Labcorp Genetics (formerly Invitae), Labcorp
Classification: Likely benign. Last evaluated: 2026-01-03. Review status: criteria provided, single submitter. Criteria: Invitae Variant Classification Sherloc (09022015). Collection method: clinical testing. Allele origin: germline.

PreventionGenetics, part of Exact Sciences
Classification: Likely benign for CHD4-related condition. Last evaluated: 2024-01-03. Review status: no assertion criteria provided. Collection method: clinical testing. Allele origin: germline. Not counted in ClinVar's aggregate classification.
Comment: This variant is classified as likely benign based on ACMG/AMP sequence variant interpretation guidelines (Richards et al. 2015 PMID: 25741868, with internal and published modifications).